The following is an entry in ClinVar:

NM_001127198.5(TMC6):c.1888-6C>T

Gene: TMC6 (transmembrane channel like 6; minus strand). Cytogenetic location: 17q25.3.
Variant type: single nucleotide variant.
Coding change: c.1888-6C>T on transcript NM_001127198.5 (MANE Select); 6 bases into the intron before coding-DNA position 1888, C replaced by T.
Molecular consequence: intron variant.
Genome position (GRCh38, 1-based): chr17:78,117,941, G>A on the plus strand (C>T on the coding strand, the complement: TMC6 is on the minus strand). VCF-style: chr17-78117941-G-A. GRCh37 (hg19) VCF-style: chr17-76114022-G-A.
Other names: c.1708-6C>T (NM_001374594.1, NM_001374593.1); c.1888-6C>T (NM_001374596.1, NM_007267.7, NM_001321185.1 and 2 more transcripts).
Identifiers: ClinVar variation 1352929 (VCV001352929.4), dbSNP rs753497031, ClinGen allele CA8795505.

ClinVar aggregate classification (germline): Uncertain significance (1 of 4 stars; one submission).

Conditions:
Epidermodysplasia verruciformis. Identifiers: Orphanet 302, MedGen C0014522, MONDO:0009176.

Allele frequency attached by ClinVar (database versions not stated): gnomAD exomes 0.00001 and 0.00002; TOPMed 0.00001; ExAC 0.00002; gnomAD 0.00002.
gnomAD v4.1: 7 of 1,596,312 alleles (0.00044%); highest among the groups gnomAD compares: Admixed American, 0.007%; no homozygotes.

Submission:

Labcorp Genetics (formerly Invitae), Labcorp
Classification: Uncertain significance for Epidermodysplasia verruciformis. Last evaluated: 2022-06-20. Review status: criteria provided, single submitter. Criteria: Invitae Variant Classification Sherloc (09022015). Collection method: clinical testing. Allele origin: germline.
Comment: In summary, the available evidence is currently insufficient to determine the role of this variant in disease. Therefore, it has been classified as a Variant of Uncertain Significance. Algorithms developed to predict the effect of sequence changes on RNA splicing suggest that this variant may create or strengthen a splice site. This variant has not been reported in the literature in individuals affected with TMC6-related conditions. This variant is present in population databases (rs753497031, gnomAD 0.01%). This sequence change falls in intron 15 of the TMC6 gene. It does not directly change the encoded amino acid sequence of the TMC6 protein.